The following is an entry in ClinVar:

ClinVar aggregate classification (germline): Likely benign (1 of 4 stars; one submission).

Allele frequency attached by ClinVar (database versions not stated): TOPMed 0.00011; gnomAD 0.00017; 1000 Genomes Project 30x 0.00078; 1000 Genomes Project 0.00080.
gnomAD v4.1: 127 of 701,258 alleles (0.018%); highest among the groups gnomAD compares: East Asian, 0.21%; no homozygotes.

Submission:

CeGaT Center for Human Genetics Tuebingen
Classification: Likely benign. Last evaluated: 2023-01-01. Review status: criteria provided, single submitter. Criteria: CeGaT Center For Human Genetics Tuebingen Variant Classification Criteria Version 2. Collection method: clinical testing. Allele origin: germline. Affected: yes. Observed: 1 variant allele.
Comment: TNXB: BP4

NM_001365276.2(TNXB):c.2358+1711A>T

Gene: TNXB (tenascin XB; minus strand). Cytogenetic location: 6p21.33.
Variant type: single nucleotide variant.
Coding change: c.2358+1711A>T on transcript NM_001365276.2 (MANE Select); 1711 bases into the intron after coding-DNA position 2358, A replaced by T.
Molecular consequence: intron variant.
Genome position (GRCh38, 1-based): chr6:32,093,365, T>A on the plus strand (A>T on the coding strand, the complement: TNXB is on the minus strand). VCF-style: chr6-32093365-T-A. GRCh37 (hg19) VCF-style: chr6-32061142-T-A.
Other names: c.2358+1711A>T (NM_019105.8).
Identifiers: ClinVar variation 2656447 (VCV002656447.24), dbSNP rs186782051, ClinGen allele CA3735513.